The following is an entry in ClinVar:

NM_001276270.2(MBD4):c.350A>C (p.Lys117Thr)

Gene: MBD4 (methyl-CpG binding domain 4, DNA glycosylase; minus strand). Cytogenetic location: 3q21.3.
Variant type: single nucleotide variant.
Coding change: c.350A>C on transcript NM_001276270.2 (MANE Select); coding-DNA position 350, A replaced by C.
Protein change: p.Lys117Thr; replaces lysine 117 with threonine.
Molecular consequence: missense variant. On other transcripts: intron variant (1).
Genome position (GRCh38, 1-based): chr3:129,437,294, T>G on the plus strand (A>C on the coding strand, the complement: MBD4 is on the minus strand). VCF-style: chr3-129437294-T-G. GRCh37 (hg19) VCF-style: chr3-129156137-T-G.
Other names: c.350A>C, p.Lys117Thr (NM_001276271.2, NM_001276272.2, NM_003925.3); c.247+514A>C (NM_001276273.2); short protein forms K117T.
Identifiers: ClinVar variation 2837641 (VCV002837641.4), dbSNP rs757487617, ClinGen allele CA2605534.

ClinVar aggregate classification (germline): Uncertain significance. Review status: criteria provided, multiple submitters, no conflicts (2 of 4 stars). 2 submissions from 2 submitters: Uncertain significance (2). Last evaluated 2025-08-31.

Conditions:
Inborn genetic diseases. Identifiers: MedGen C0950123, MeSH D030342.

Allele frequency attached by ClinVar (database versions not stated): ExAC 0.00002; TOPMed below 0.00001.
gnomAD v4.1: 1 of 1,606,558 alleles (0.000062%); no homozygotes.

Submissions (2):

Labcorp Genetics (formerly Invitae), Labcorp
Classification: Uncertain significance. Last evaluated: 2025-08-31. Review status: criteria provided, single submitter. Criteria: Invitae Variant Classification Sherloc (09022015). Collection method: clinical testing. Allele origin: germline.
Comment: This sequence change replaces lysine, which is basic and polar, with threonine, which is neutral and polar, at codon 117 of the MBD4 protein (p.Lys117Thr). This variant is present in population databases (rs757487617, gnomAD 0.0009%). This variant has not been reported in the literature in individuals affected with MBD4-related conditions. ClinVar contains an entry for this variant (Variation ID: 2837641). An algorithm developed to predict the effect of missense changes on protein structure and function (PolyPhen-2) suggests that this variant is likely to be disruptive. In summary, the available evidence is currently insufficient to determine the role of this variant in disease. Therefore, it has been classified as a Variant of Uncertain Significance.

Ambry Genetics
Classification: Uncertain significance for Inborn genetic diseases. Last evaluated: 2025-01-18. Review status: criteria provided, single submitter. Criteria: Ambry Variant Classification Scheme 2023. Collection method: clinical testing. Allele origin: germline.
Comment: The p.K117T variant (also known as c.350A>C), located in coding exon 3 of the MBD4 gene, results from an A to C substitution at nucleotide position 350. The lysine at codon 117 is replaced by threonine, an amino acid with similar properties. This amino acid position is conserved. In addition, the in silico prediction for this alteration is inconclusive. Based on the available evidence, the clinical significance of this variant remains unclear.